The following is an entry in ClinVar:

NM_000088.4(COL1A1):c.642+4A>G

Gene: COL1A1 (collagen type I alpha 1 chain; minus strand). Cytogenetic location: 17q21.33.
Variant type: single nucleotide variant.
Coding change: c.642+4A>G on transcript NM_000088.4 (MANE Select); 4 bases into the intron after coding-DNA position 642, A replaced by G.
Molecular consequence: intron variant.
Genome position (GRCh38, 1-based): chr17:50,197,945, T>C on the plus strand (A>G on the coding strand, the complement: COL1A1 is on the minus strand). VCF-style: chr17-50197945-T-C. GRCh37 (hg19) VCF-style: chr17-48275306-T-C.
Identifiers: ClinVar variation 1711440 (VCV001711440.30), dbSNP rs2509246560, ClinGen allele CA2580094351.
Genomic context (GRCh38, chr17:50,197,945, plus strand): 5'-GTTCTTCTATAGGAGAGTCTGTGTGTTTGTAGAAGGAGTATGAATCTGTATAGAGAGTGC[T>C]TACTGAAGCTCCAGGCTCGCCAGGCTCACCAGGGGGACCTTGGAAGCCTTGGGGACCCTT-3'

ClinVar aggregate classification (germline): Uncertain significance (1 of 4 stars; one submission).

Submission:

CeGaT Center for Human Genetics Tuebingen
Classification: Uncertain significance. Last evaluated: 2022-08-01. Review status: criteria provided, single submitter. Criteria: CeGaT Center For Human Genetics Tuebingen Variant Classification Criteria Version 2. Collection method: clinical testing. Allele origin: germline. Affected: yes. Observed: 1 variant allele.
Comment: COL1A1: PM2, PP4